The following is an entry in ClinVar:

NM_025099.6(CTC1):c.2399T>C (p.Phe800Ser)

Gene: CTC1 (CST telomere replication complex component 1; minus strand). Cytogenetic location: 17p13.1.
Variant type: single nucleotide variant.
Coding change: c.2399T>C on transcript NM_025099.6 (MANE Select); coding-DNA position 2399, T replaced by C.
Protein change: p.Phe800Ser; replaces phenylalanine 800 with serine.
Molecular consequence: missense variant. On other transcripts: non-coding transcript variant (1).
Genome position (GRCh38, 1-based): chr17:8,231,802, A>G on the plus strand (T>C on the coding strand, the complement: CTC1 is on the minus strand). VCF-style: chr17-8231802-A-G. GRCh37 (hg19) VCF-style: chr17-8135120-A-G.
Other names: short protein forms F800S.
Identifiers: ClinVar variation 1349325 (VCV001349325.8), dbSNP rs752957819, ClinGen allele CA397976899.

ClinVar aggregate classification (germline): Uncertain significance (1 of 4 stars; one submission).

Conditions:
Dyskeratosis congenita. Identifiers: Orphanet 1775, MedGen C0265965, MONDO:0015780.

Submission:

Labcorp Genetics (formerly Invitae), Labcorp
Classification: Uncertain significance for Dyskeratosis congenita. Last evaluated: 2022-06-27. Review status: criteria provided, single submitter. Criteria: Invitae Variant Classification Sherloc (09022015). Collection method: clinical testing. Allele origin: germline.
Comment: In summary, the available evidence is currently insufficient to determine the role of this variant in disease. Therefore, it has been classified as a Variant of Uncertain Significance. Algorithms developed to predict the effect of missense changes on protein structure and function are either unavailable or do not agree on the potential impact of this missense change (SIFT: "Deleterious"; PolyPhen-2: "Probably Damaging"; Align-GVGD: "Class C0"). This variant has not been reported in the literature in individuals affected with CTC1-related conditions. This variant is not present in population databases (gnomAD no frequency). This sequence change replaces phenylalanine, which is neutral and non-polar, with serine, which is neutral and polar, at codon 800 of the CTC1 protein (p.Phe800Ser).